The following is an entry in ClinVar:

NM_015156.4(RCOR1):c.181GCC[5] (p.Ala64_Pro65insAla)

Genes: RCOR1 (REST corepressor 1; plus strand), LOC130056530 (ATAC-STARR-seq lymphoblastoid silent region 6127; plus strand). Cytogenetic location: 14q32.31.
Variant type: Microsatellite.
Coding change: c.181GCC[5] on transcript NM_015156.4 (MANE Select); five copies in a row of the 3-base unit GCC starting at c.181; the reference has four copies in a row; one copy, 3 bases duplicated.
Protein change: p.Ala64_Pro65insAla.
Genome position (GRCh38, 1-based): chr14:102,593,076-102,593,078, GCC duplicated; duplicating any 3 consecutive bases within chr14:102,593,067-102,593,078 gives the same sequence; the position shown is the placement nearest the transcript's 3' end. VCF-style (leftmost placement, unchanged base first): chr14-102593066-A-AGCC. GRCh37 (hg19) VCF-style: chr14-103059403-A-AGCC.
Identifiers: ClinVar variation 3630056 (VCV003630056.2).

ClinVar aggregate classification (germline): Uncertain significance (1 of 4 stars; one submission).

Submission:

Labcorp Genetics (formerly Invitae), Labcorp
Classification: Uncertain significance. Last evaluated: 2025-01-02. Review status: criteria provided, single submitter. Criteria: Invitae Variant Classification Sherloc (09022015). Collection method: clinical testing. Allele origin: germline.
Comment: This variant, c.190_192dup, results in the insertion of 1 amino acid(s) of the RCOR1 protein (p.Ala64dup), but otherwise preserves the integrity of the reading frame. The frequency data for this variant in the population databases is considered unreliable, as metrics indicate poor data quality at this position in the gnomAD database. This variant has not been reported in the literature in individuals affected with RCOR1-related conditions. In summary, the available evidence is currently insufficient to determine the role of this variant in disease. Therefore, it has been classified as a Variant of Uncertain Significance.